The following is an entry in ClinVar:

ClinVar aggregate classification (germline): Likely benign (0 of 4 stars; one submission).

Conditions:
NLRP2-related disorder. Also called: NLRP2-related condition.

Allele frequency attached by ClinVar (database versions not stated): ExAC 0.00002; gnomAD exomes 0.00002; gnomAD 0.00003.
gnomAD v4.1: 26 of 1,614,020 alleles (0.0016%); highest among the groups gnomAD compares: African/African-American, 0.016%; no homozygotes.

Submission:

PreventionGenetics, part of Exact Sciences
Classification: Likely benign for NLRP2-related condition. Last evaluated: 2019-06-06. Review status: no assertion criteria provided. Collection method: clinical testing. Allele origin: germline.
Comment: This variant is classified as likely benign based on ACMG/AMP sequence variant interpretation guidelines (Richards et al. 2015 PMID: 25741868, with internal and published modifications).

NM_017852.5(NLRP2):c.1908C>T (p.Asp636=)

Gene: NLRP2 (NLR family pyrin domain containing 2; plus strand). Cytogenetic location: 19q13.42.
Variant type: single nucleotide variant.
Coding change: c.1908C>T on transcript NM_017852.5 (MANE Select); coding-DNA position 1908, C replaced by T.
Protein change: p.Asp636=; no amino-acid change (aspartic acid 636 retained).
Molecular consequence: synonymous variant. On other transcripts: non-coding transcript variant (1).
Genome position (GRCh38, 1-based): chr19:54,983,606, C>T. VCF-style: chr19-54983606-C-T. GRCh37 (hg19) VCF-style: chr19-55494974-C-T.
Other names: c.1908C>T, p.Asp636= (NM_001174081.3); c.1842C>T, p.Asp614= (NM_001174082.3); c.1839C>T, p.Asp613= (NM_001174083.2); c.1899C>T, p.Asp633= (NM_001348003.2).
Identifiers: ClinVar variation 3044673 (VCV003044673.2), dbSNP rs774830526, ClinGen allele CA310105833.